The following is an entry in ClinVar:

NM_004944.4(DNASE1L3):c.580T>G (p.Cys194Gly)

Gene: DNASE1L3 (deoxyribonuclease 1L3; minus strand). Cytogenetic location: 3p14.3.
Variant type: single nucleotide variant.
Coding change: c.580T>G on transcript NM_004944.4 (MANE Select); coding-DNA position 580, T replaced by G.
Protein change: p.Cys194Gly; replaces cysteine 194 with glycine.
Molecular consequence: missense variant.
Genome position (GRCh38, 1-based): chr3:58,197,945, A>C on the plus strand (T>G on the coding strand, the complement: DNASE1L3 is on the minus strand). VCF-style: chr3-58197945-A-C. GRCh37 (hg19) VCF-style: chr3-58183672-A-C.
Other names: c.490T>G, p.Cys164Gly (NM_001256560.2); short protein forms C164G, C194G.
Identifiers: ClinVar variation 2090151 (VCV002090151.4), dbSNP rs775273181, ClinGen allele CA353338701.

ClinVar aggregate classification (germline): Uncertain significance (1 of 4 stars; one submission).

Submission:

Labcorp Genetics (formerly Invitae), Labcorp
Classification: Uncertain significance. Last evaluated: 2022-06-19. Review status: criteria provided, single submitter. Criteria: Invitae Variant Classification Sherloc (09022015). Collection method: clinical testing. Allele origin: germline.
Comment: In summary, the available evidence is currently insufficient to determine the role of this variant in disease. Therefore, it has been classified as a Variant of Uncertain Significance. Algorithms developed to predict the effect of missense changes on protein structure and function (SIFT, PolyPhen-2, Align-GVGD) all suggest that this variant is likely to be disruptive. This variant has not been reported in the literature in individuals affected with DNASE1L3-related conditions. This variant is not present in population databases (gnomAD no frequency). This sequence change replaces cysteine, which is neutral and slightly polar, with glycine, which is neutral and non-polar, at codon 194 of the DNASE1L3 protein (p.Cys194Gly).